The following is an entry in ClinVar:

ClinVar aggregate classification (germline): Uncertain significance (1 of 4 stars; one submission).

Conditions:
Familial hypobetalipoproteinemia 1. Also called: APOB-Related Familial Hypobetalipoproteinemia; Hypobetalipoproteinemia, normotriglyceridemic; Acanthocytosis with hypobetalipoproteinemia. Identifiers: MedGen C4551990, MONDO:0014252, OMIM 615558.
Hypercholesterolemia, autosomal dominant, type B (FHCL2). Also called: Familial Hypercholesterolemia Type B; APOLIPOPROTEIN B-100, FAMILIAL DEFECTIVE; APOLIPOPROTEIN B-100, FAMILIAL LIGAND-DEFECTIVE; HYPERCHOLESTEROLEMIA, FAMILIAL, DUE TO LIGAND-DEFECTIVE APOLIPOPROTEIN B; Hyperlipoproteinemia Type IIb; Familial hypercholesterolemia 2. Identifiers: MedGen C1704417, MONDO:0007751, OMIM 144010.

Submission:

Labcorp Genetics (formerly Invitae), Labcorp
Classification: Uncertain significance for Familial hypobetalipoproteinemia 1; Hypercholesterolemia, autosomal dominant, type B. Last evaluated: 2023-04-08. Review status: criteria provided, single submitter. Criteria: Invitae Variant Classification Sherloc (09022015). Collection method: clinical testing. Allele origin: germline.
Comment: This variant has not been reported in the literature in individuals affected with APOB-related conditions. Advanced modeling of protein sequence and biophysical properties (such as structural, functional, and spatial information, amino acid conservation, physicochemical variation, residue mobility, and thermodynamic stability) performed at Invitae indicates that this missense variant is not expected to disrupt APOB protein function. In summary, the available evidence is currently insufficient to determine the role of this variant in disease. Therefore, it has been classified as a Variant of Uncertain Significance. This variant is not present in population databases (gnomAD no frequency). This sequence change replaces methionine, which is neutral and non-polar, with isoleucine, which is neutral and non-polar, at codon 1749 of the APOB protein (p.Met1749Ile).

NM_000384.3(APOB):c.5247G>A (p.Met1749Ile)

Gene: APOB (apolipoprotein B; minus strand). Cytogenetic location: 2p24.1.
Variant type: single nucleotide variant.
Coding change: c.5247G>A on transcript NM_000384.3 (MANE Select); coding-DNA position 5247, G replaced by A.
Protein change: p.Met1749Ile; replaces methionine 1749 with isoleucine.
Molecular consequence: missense variant.
Genome position (GRCh38, 1-based): chr2:21,011,621, C>T on the plus strand (G>A on the coding strand, the complement: APOB is on the minus strand). VCF-style: chr2-21011621-C-T. GRCh37 (hg19) VCF-style: chr2-21234493-C-T.
Other names: short protein forms M1749I.
Identifiers: ClinVar variation 2946346 (VCV002946346.3), dbSNP rs2465375599, ClinGen allele CA346005151.